The following is an entry in ClinVar:

NM_005223.4(DNASE1):c.321-5C>T

Gene: DNASE1 (deoxyribonuclease 1; plus strand). Cytogenetic location: 16p13.3.
Variant type: single nucleotide variant.
Coding change: c.321-5C>T on transcript NM_005223.4 (MANE Select); 5 bases into the intron before coding-DNA position 321, C replaced by T.
Molecular consequence: intron variant.
Genome position (GRCh38, 1-based): chr16:3,656,633, C>T. VCF-style: chr16-3656633-C-T. GRCh37 (hg19) VCF-style: chr16-3706634-C-T.
Other names: c.321-5C>T (NM_001387140.1, NM_001387135.1, NM_001387139.1 and 1 more transcripts); c.114-5C>T (NM_001387141.1).
Identifiers: ClinVar variation 5041062 (VCV005041062.1).

ClinVar aggregate classification (germline): Likely benign (1 of 4 stars; one submission).

gnomAD v4.1: 984 of 1,606,530 alleles (0.061%); highest among the groups gnomAD compares: African/African-American, 1.1%; 9 homozygotes.

Submission:

CeGaT Center for Human Genetics Tuebingen
Classification: Likely benign. Last evaluated: 2026-09-01. Review status: criteria provided, single submitter. Criteria: CeGaT Center For Human Genetics Tuebingen Variant Classification Criteria Version 2. Collection method: clinical testing. Allele origin: germline. Affected: yes. Observed: 1 variant allele.
Comment: DNASE1: BP4, BS1